The following is an entry in ClinVar:

NM_000230.3(LEP):c.368G>A (p.Ser123Asn)

Gene: LEP (leptin; plus strand). Cytogenetic location: 7q32.1.
Variant type: single nucleotide variant.
Coding change: c.368G>A on transcript NM_000230.3 (MANE Select); coding-DNA position 368, G replaced by A.
Protein change: p.Ser123Asn; replaces serine 123 with asparagine.
Molecular consequence: missense variant.
Genome position (GRCh38, 1-based): chr7:128,254,627, G>A. VCF-style: chr7-128254627-G-A. GRCh37 (hg19) VCF-style: chr7-127894680-G-A.
Other names: short protein forms S123N.
Identifiers: ClinVar variation 4990928 (VCV004990928.1).
Genomic context (GRCh38, chr7:128,254,627, plus strand): 5'-ACCTCCGGGATCTTCTTCACGTGCTGGCCTTCTCTAAGAGCTGCCACTTGCCCTGGGCCA[G>A]TGGCCTGGAGACCTTGGACAGCCTGGGGGGTGTCCTGGAAGCTTCAGGCTACTCCACAGA-3'
Protein context (NP_000221.1, residues 113-133): FSKSCHLPWA[Ser123Asn]GLETLDSLGG

ClinVar aggregate classification (germline): Uncertain significance (1 of 4 stars; one submission).

Conditions:
LEP-related disorder. Also called: LEP-related condition.

Submission:

PreventionGenetics, part of Exact Sciences
Classification: Uncertain significance for LEP-related condition. Last evaluated: 2025-11-06. Review status: criteria provided, single submitter. Criteria: ACMG Guidelines, 2015. Collection method: clinical testing. Allele origin: germline.
Comment: The LEP c.368G>A variant is predicted to result in the amino acid substitution p.Ser123Asn. To our knowledge, this variant has not been reported in the literature or in a large population database (gnomAD), indicating this variant is rare. At this time, the clinical significance of this variant is uncertain due to the absence of conclusive functional and genetic evidence.